The following is an entry in ClinVar:

NM_004260.4(RECQL4):c.2878G>T (p.Ala960Ser)

Gene: RECQL4 (RecQ like helicase 4; minus strand). Cytogenetic location: 8q24.3.
Variant type: single nucleotide variant.
Coding change: c.2878G>T on transcript NM_004260.4 (MANE Select); coding-DNA position 2878, G replaced by T.
Protein change: p.Ala960Ser; replaces alanine 960 with serine.
Molecular consequence: missense variant. On other transcripts: non-coding transcript variant (3).
Genome position (GRCh38, 1-based): chr8:144,512,649, C>A on the plus strand (G>T on the coding strand, the complement: RECQL4 is on the minus strand). VCF-style: chr8-144512649-C-A. GRCh37 (hg19) VCF-style: chr8-145738032-C-A.
Other names: c.1816G>T, p.Ala606Ser (NM_001413041.1); c.1777G>T, p.Ala593Ser (NM_001413042.1); c.1411G>T, p.Ala471Ser (NM_001413043.1); c.2584G>T, p.Ala862Ser (NM_001413017.1); c.2680G>T, p.Ala894Ser (NM_001413018.1); c.2953G>T, p.Ala985Ser (NM_001413019.1); c.2782G>T, p.Ala928Ser (NM_001413020.1); c.1807G>T, p.Ala603Ser (NM_001413021.1, NM_001413022.1, NM_001413024.1 and 4 more transcripts); and 9 more; short protein forms A537S, A628S, A917S, A928S, A603S, A843S, A471S, A606S.
Identifiers: ClinVar variation 2734915 (VCV002734915.3), dbSNP rs2130665778, ClinGen allele CA372673832.

ClinVar aggregate classification (germline): Uncertain significance (1 of 4 stars; one submission).

Conditions:
Baller-Gerold syndrome (BGS). Also called: CRANIOSYNOSTOSIS WITH RADIAL DEFECTS. Identifiers: Orphanet 1225, MedGen C0265308, MONDO:0009039, OMIM 218600.

Submission:

Labcorp Genetics (formerly Invitae), Labcorp
Classification: Uncertain significance for Baller-Gerold syndrome. Last evaluated: 2023-07-03. Review status: criteria provided, single submitter. Criteria: Invitae Variant Classification Sherloc (09022015). Collection method: clinical testing. Allele origin: germline.
Comment: This variant is not present in population databases (gnomAD no frequency). This sequence change replaces alanine, which is neutral and non-polar, with serine, which is neutral and polar, at codon 960 of the RECQL4 protein (p.Ala960Ser). This variant has not been reported in the literature in individuals affected with RECQL4-related conditions. In summary, the available evidence is currently insufficient to determine the role of this variant in disease. Therefore, it has been classified as a Variant of Uncertain Significance. Advanced modeling of protein sequence and biophysical properties (such as structural, functional, and spatial information, amino acid conservation, physicochemical variation, residue mobility, and thermodynamic stability) performed at Invitae indicates that this missense variant is not expected to disrupt RECQL4 protein function.